The following is an entry in ClinVar:

NM_000278.5(PAX2):c.80T>G (p.Phe27Cys)

Gene: PAX2 (paired box 2; plus strand). Cytogenetic location: 10q24.31.
Variant type: single nucleotide variant.
Coding change: c.80T>G on transcript NM_000278.5 (MANE Select); coding-DNA position 80, T replaced by G.
Protein change: p.Phe27Cys; replaces phenylalanine 27 with cysteine.
Molecular consequence: missense variant.
Genome position (GRCh38, 1-based): chr10:100,749,782, T>G. VCF-style: chr10-100749782-T-G. GRCh37 (hg19) VCF-style: chr10-102509539-T-G.
Other names: c.173T>G, p.Phe58Cys (NM_001304569.2); c.80T>G, p.Phe27Cys (NM_003987.5, NM_003988.5, NM_003989.5 and 1 more transcripts); short protein forms F27C, F58C.
Identifiers: ClinVar variation 5020590 (VCV005020590.1).

ClinVar aggregate classification (germline): Uncertain significance (1 of 4 stars; one submission).

Submission:

Dasa
Classification: Uncertain significance. Last evaluated: 2026-05-09. Review status: criteria provided, single submitter. Criteria: DASA Assertion Criteria. Collection method: clinical testing. Allele origin: germline.
Comment: NM_000278.5(PAX2):c.80T>G (p.Phe27Cys) is a missense variant that results in the substitution of phenylalanine with cysteine. This variant is absent from population databases. Computational prediction algorithms are consistent with a deleterious effect. The currently available literature and clinical evidence are not sufficient to establish a definitive association between this variant and the reported condition. Therefore, this variant is classified as a variant of uncertain significance.